The following is an entry in ClinVar:

ClinVar aggregate classification (germline): Likely benign. Review status: criteria provided, single submitter (1 of 4 stars). 2 submissions from 2 submitters: Likely benign (1). 1 of the submissions does not count toward it. Last evaluated 2024-01-11.

Conditions:
FAH-related disorder. Also called: FAH-related condition.
Tyrosinemia type I (TYRSN1). Also called: Tyrosinemia type 1; Fumarylacetoacetase deficiency; Deficiency of fumarylacetoacetase; HEPATORENAL TYROSINEMIA; FAH DEFICIENCY. Identifiers: Orphanet 882, MedGen C0268490, MONDO:0010161, OMIM 276700. Disease mechanism: loss of function.

Allele frequency attached by ClinVar (database versions not stated): TOPMed below 0.00001.
gnomAD v4.1: 3 of 1,614,102 alleles (0.00019%); highest among the groups gnomAD compares: Non-Finnish European, 0.00017%; no homozygotes.

Submissions (2):

Labcorp Genetics (formerly Invitae), Labcorp
Classification: Likely benign for Tyrosinemia type I. Last evaluated: 2024-01-11. Review status: criteria provided, single submitter. Criteria: Invitae Variant Classification Sherloc (09022015). Collection method: clinical testing. Allele origin: germline.

PreventionGenetics, part of Exact Sciences
Classification: Likely benign for FAH-related condition. Last evaluated: 2021-04-14. Review status: no assertion criteria provided. Collection method: clinical testing. Allele origin: germline. Not counted in ClinVar's aggregate classification.
Comment: This variant is classified as likely benign based on ACMG/AMP sequence variant interpretation guidelines (Richards et al. 2015 PMID: 25741868, with internal and published modifications).

NM_000137.4(FAH):c.663C>T (p.Ala221=)

Gene: FAH (fumarylacetoacetate hydrolase; plus strand). Cytogenetic location: 15q25.1.
Variant type: single nucleotide variant.
Coding change: c.663C>T on transcript NM_000137.4 (MANE Select); coding-DNA position 663, C replaced by T.
Protein change: p.Ala221=; no amino-acid change (alanine 221 retained).
Molecular consequence: synonymous variant.
Genome position (GRCh38, 1-based): chr15:80,172,205, C>T. VCF-style: chr15-80172205-C-T. GRCh37 (hg19) VCF-style: chr15-80464547-C-T.
Other names: c.663C>T (NM_000137.2); c.663C>T, p.Ala221= (NM_001374377.1, NM_001374380.1).
Identifiers: ClinVar variation 1090375 (VCV001090375.11), dbSNP rs370892975, ClinGen allele CA7691294.